The following is an entry in ClinVar:

ClinVar aggregate classification (germline): Uncertain significance (1 of 4 stars; one submission).

Conditions:
Seizures, benign familial infantile, 3 (BFIS3). Also called: Familial neonatal seizures; CONVULSIONS, BENIGN FAMILIAL INFANTILE, 3. Identifiers: Orphanet 140927, Orphanet 306, MedGen C1843140, MONDO:0011904, OMIM 607745.
Developmental and epileptic encephalopathy, 11 (DEE11). Also called: Early infantile epileptic encephalopathy 11. Identifiers: Orphanet 1934, MedGen C3150987, MONDO:0013388, OMIM 613721.

Submission:

Labcorp Genetics (formerly Invitae), Labcorp
Classification: Uncertain significance for Seizures, benign familial infantile, 3; Developmental and epileptic encephalopathy, 11. Last evaluated: 2025-01-17. Review status: criteria provided, single submitter. Criteria: Invitae Variant Classification Sherloc (09022015). Collection method: clinical testing. Allele origin: germline.
Comment: This sequence change replaces serine, which is neutral and polar, with asparagine, which is neutral and polar, at codon 1124 of the SCN2A protein (p.Ser1124Asn). This variant is not present in population databases (gnomAD no frequency). This variant has not been reported in the literature in individuals affected with SCN2A-related conditions. Invitae Evidence Modeling of protein sequence and biophysical properties (such as structural, functional, and spatial information, amino acid conservation, physicochemical variation, residue mobility, and thermodynamic stability) has been performed for this missense variant. However, the output from this modeling did not meet the statistical confidence thresholds required to predict the impact of this variant on SCN2A protein function. In summary, the available evidence is currently insufficient to determine the role of this variant in disease. Therefore, it has been classified as a Variant of Uncertain Significance.

NM_001040142.2(SCN2A):c.3371G>A (p.Ser1124Asn)

Gene: SCN2A (sodium voltage-gated channel alpha subunit 2; plus strand). Cytogenetic location: 2q24.3.
Variant type: single nucleotide variant.
Coding change: c.3371G>A on transcript NM_001040142.2 (MANE Select); coding-DNA position 3371, G replaced by A.
Protein change: p.Ser1124Asn; replaces serine 1124 with asparagine.
Molecular consequence: missense variant.
Genome position (GRCh38, 1-based): chr2:165,354,643, G>A. VCF-style: chr2-165354643-G-A. GRCh37 (hg19) VCF-style: chr2-166211153-G-A.
Other names: c.3371G>A, p.Ser1124Asn (NM_001040143.2, NM_001371246.1, NM_001371247.1 and 1 more transcripts); short protein forms S1124N.
Identifiers: ClinVar variation 3747919 (VCV003747919.2).
Genomic context (GRCh38, chr2:165,354,643, plus strand): 5'-CAGTACCAATTGCTGTTGGAGAATCTGACTTTGAAAATTTAAATACTGAAGAATTCAGCA[G>A]CGAGTCAGATATGGAGGAAAGCAAAGAGGTAAAAATGTTTAAATAAGGAGATATTTTGGT-3'
Protein context (NP_001035232.1, residues 1114-1134): FENLNTEEFS[Ser1124Asn]ESDMEESKEK